The following is an entry in ClinVar:

ClinVar aggregate classification (germline): Uncertain significance (1 of 4 stars; one submission).

Submission:

GeneDx
Classification: Uncertain significance. Last evaluated: 2025-03-20. Review status: criteria provided, single submitter. Criteria: GeneDx Variant Classification Process June 2021. Collection method: clinical testing. Allele origin: germline. Affected: yes.
Comment: Not observed at significant frequency in large population cohorts (gnomAD); In silico analysis supports that this missense variant has a deleterious effect on protein structure/function; Has not been previously published as pathogenic or benign to our knowledge; In silico analysis suggests this variant may impact gene splicing. In the absence of RNA/functional studies, the actual effect of this sequence change is unknown.

NM_002805.6(PSMC5):c.680G>A (p.Gly227Glu)

Gene: PSMC5 (proteasome 26S subunit, ATPase 5; plus strand). Cytogenetic location: 17q23.3.
Variant type: single nucleotide variant.
Coding change: c.680G>A on transcript NM_002805.6 (MANE Select); coding-DNA position 680, G replaced by A.
Protein change: p.Gly227Glu; replaces glycine 227 with glutamic acid.
Molecular consequence: missense variant.
Genome position (GRCh38, 1-based): chr17:63,831,036, G>A. VCF-style: chr17-63831036-G-A. GRCh37 (hg19) VCF-style: chr17-61908396-G-A.
Other names: c.656G>A, p.Gly219Glu (NM_001199163.2); short protein forms G219E, G227E.
Identifiers: ClinVar variation 4086650 (VCV004086650.1).